The following is an entry in ClinVar:

ClinVar aggregate classification (germline): Uncertain significance. Review status: criteria provided, multiple submitters, no conflicts (2 of 4 stars). 2 submissions from 2 submitters: Uncertain significance (2). Last evaluated 2026-01-14.

Conditions:
Cardiovascular phenotype. Identifiers: MedGen CN230736.
Arrhythmogenic right ventricular dysplasia 9 (ARVD9). Also called: Arrhythmogenic Right Ventricular Dysplasia/Cardiomyopathy 9; ARRHYTHMOGENIC RIGHT VENTRICULAR DYSPLASIA, FAMILIAL, 9. Identifiers: MedGen C1836906, MONDO:0012180, OMIM 609040.

Allele frequency attached by ClinVar (database versions not stated): gnomAD 0.00001; TOPMed 0.00002.
gnomAD v4.1: 1 of 1,613,622 alleles (0.000062%); highest among the groups gnomAD compares: African/African-American, 0.0013%; no homozygotes.

Submissions (2):

Ambry Genetics
Classification: Uncertain significance for Cardiovascular phenotype. Last evaluated: 2026-01-14. Review status: criteria provided, single submitter. Criteria: Ambry Variant Classification Scheme 2023. Collection method: clinical testing. Allele origin: germline.

Labcorp Genetics (formerly Invitae), Labcorp
Classification: Uncertain significance for Arrhythmogenic right ventricular dysplasia 9. Last evaluated: 2025-12-10. Review status: criteria provided, single submitter. Criteria: Invitae Variant Classification Sherloc (09022015). Collection method: clinical testing. Allele origin: germline.
Comment: This sequence change replaces threonine, which is neutral and polar, with isoleucine, which is neutral and non-polar, at codon 865 of the PKP2 protein (p.Thr865Ile). This variant is not present in population databases (gnomAD no frequency). This variant has not been reported in the literature in individuals affected with PKP2-related conditions. ClinVar contains an entry for this variant (Variation ID: 2906686). An algorithm developed to predict the effect of missense changes on protein structure and function (PolyPhen-2) suggests that this variant is likely to be tolerated. Algorithms developed to predict the effect of sequence changes on RNA splicing suggest that this variant may disrupt the consensus splice site. In summary, the available evidence is currently insufficient to determine the role of this variant in disease. Therefore, it has been classified as a Variant of Uncertain Significance.

NM_001005242.3(PKP2):c.2462C>T (p.Thr821Ile)

Gene: PKP2 (plakophilin 2; minus strand). Cytogenetic location: 12p11.21.
Variant type: single nucleotide variant.
Coding change: c.2462C>T on transcript NM_001005242.3 (MANE Select); coding-DNA position 2462, C replaced by T.
Protein change: p.Thr821Ile; replaces threonine 821 with isoleucine.
Molecular consequence: missense variant. On other transcripts: nonsense (2).
Genome position (GRCh38, 1-based): chr12:32,792,476, G>A on the plus strand (C>T on the coding strand, the complement: PKP2 is on the minus strand). VCF-style: chr12-32792476-G-A. GRCh37 (hg19) VCF-style: chr12-32945410-G-A.
Other names: c.2272C>T, p.Gln758Ter (NM_001407155.1); c.2297C>T, p.Thr766Ile (NM_001407156.1); c.2135C>T, p.Thr712Ile (NM_001407158.1, NM_001407159.1); c.1945C>T, p.Gln649Ter (NM_001407160.1); c.2594C>T, p.Thr865Ile (NM_004572.4); short protein forms T766I, Q649*, Q758*, T712I, T865I, T821I.
Identifiers: ClinVar variation 2906686 (VCV002906686.4), dbSNP rs878877243, ClinGen allele CA235214956.